The following is an entry in ClinVar:

NM_005816.5(CD96):c.1112C>A (p.Pro371His)

Gene: CD96 (CD96 molecule; plus strand). Cytogenetic location: 3q13.2.
Variant type: single nucleotide variant.
Coding change: c.1112C>A on transcript NM_005816.5 (MANE Select); coding-DNA position 1112, C replaced by A.
Protein change: p.Pro371His; replaces proline 371 with histidine.
Molecular consequence: missense variant. On other transcripts: non-coding transcript variant (1).
Genome position (GRCh38, 1-based): chr3:111,606,724, C>A. VCF-style: chr3-111606724-C-A. GRCh37 (hg19) VCF-style: chr3-111325571-C-A.
Other names: c.1112C>A, p.Pro371His (NM_001318889.2, NM_001410800.1); c.1160C>A, p.Pro387His (NM_198196.3); short protein forms P387H, P371H.
Identifiers: ClinVar variation 3694585 (VCV003694585.2).

ClinVar aggregate classification (germline): Uncertain significance (1 of 4 stars; one submission).

gnomAD v4.1: 1 of 1,596,272 alleles (0.000063%); highest among the groups gnomAD compares: Non-Finnish European, 0.000086%; no homozygotes.

Submission:

Labcorp Genetics (formerly Invitae), Labcorp
Classification: Uncertain significance. Last evaluated: 2024-04-09. Review status: criteria provided, single submitter. Criteria: Invitae Variant Classification Sherloc (09022015). Collection method: clinical testing. Allele origin: germline.
Comment: This sequence change replaces proline, which is neutral and non-polar, with histidine, which is basic and polar, at codon 387 of the CD96 protein (p.Pro387His). This variant is not present in population databases (gnomAD no frequency). This variant has not been reported in the literature in individuals affected with CD96-related conditions. Advanced modeling of protein sequence and biophysical properties (such as structural, functional, and spatial information, amino acid conservation, physicochemical variation, residue mobility, and thermodynamic stability) performed at Invitae indicates that this missense variant is not expected to disrupt CD96 protein function with a negative predictive value of 80%. In summary, the available evidence is currently insufficient to determine the role of this variant in disease. Therefore, it has been classified as a Variant of Uncertain Significance.